The following is an entry in ClinVar:

NM_201384.3(PLEC):c.4286C>T (p.Ser1429Leu)

Gene: PLEC (plectin; minus strand). Cytogenetic location: 8q24.3.
Variant type: single nucleotide variant.
Coding change: c.4286C>T on transcript NM_201384.3 (MANE Select); coding-DNA position 4286, C replaced by T.
Protein change: p.Ser1429Leu; replaces serine 1429 with leucine.
Molecular consequence: missense variant.
Genome position (GRCh38, 1-based): chr8:143,925,643, G>A on the plus strand (C>T on the coding strand, the complement: PLEC is on the minus strand). VCF-style: chr8-143925643-G-A. GRCh37 (hg19) VCF-style: chr8-144999811-G-A.
Other names: c.4367C>T (NM_000445.3); c.4367C>T, p.Ser1456Leu (NM_000445.5); c.4244C>T, p.Ser1415Leu (NM_201378.4); c.4220C>T, p.Ser1407Leu (NM_201379.3); c.4697C>T, p.Ser1566Leu (NM_201380.4); c.4190C>T, p.Ser1397Leu (NM_201381.3); c.4286C>T, p.Ser1429Leu (NM_201382.4); c.4298C>T, p.Ser1433Leu (NM_201383.3); short protein forms S1456L, S1407L, S1415L, S1566L, S1397L, S1433L, S1429L.
Identifiers: ClinVar variation 2036965 (VCV002036965.8), dbSNP rs782275537, ClinGen allele CA4926715.
Genomic context (GRCh38, chr8:143,925,643, plus strand): 5'-CGCAGCCGGCTGCGCTCAGCCGCCTCTGCCTGCCGGGCCTTGGCCTGGATCTCCGCCTCC[G>A]AGCTCTGCCGCAGCTGCTGCAGCTCCTCCTGAATGCTGCGCTTCTGCTGCTGCGCGTCCA-3'
Protein context (NP_958786.1, residues 1419-1439): QEELQQLRQS[Ser1429Leu]EAEIQAKARQ

ClinVar aggregate classification (germline): Uncertain significance. Review status: criteria provided, multiple submitters, no conflicts (2 of 4 stars). 3 submissions from 3 submitters: Uncertain significance (3). Last evaluated 2025-11-15.

Conditions:
Epidermolysis bullosa simplex, Ogna type (EBS5A). Also called: Pidermolysis bullosa simplex 5A, Ogna type; EPIDERMOLYSIS BULLOSA SIMPLEX 5A, OGNA TYPE. Identifiers: Orphanet 79401, MedGen C0432317, MONDO:0007555, OMIM 131950.
Epidermolysis bullosa simplex 5C, with pyloric atresia (EBS5C). Also called: PLEC-Related Epidermolysis Bullosa with Pyloric Atresia; Epidermolysis bullosa simplex with pyloric atresia; PLEC1-Related Epidermolysis Bullosa with Pyloric Atresia. Identifiers: Orphanet 158684, MedGen C2677349, MONDO:0012807, OMIM 612138.
Autosomal recessive limb-girdle muscular dystrophy type 2Q (LGMDR17). Also called: MUSCULAR DYSTROPHY, LIMB-GIRDLE, AUTOSOMAL RECESSIVE 17. Identifiers: Orphanet 254361, MedGen C3150989, MONDO:0013390, OMIM 613723.
Epidermolysis bullosa simplex 5B, with muscular dystrophy (EBS5B). Also called: Epidermolysis bullosa simplex with muscular dystrophy; EPIDERMOLYSIS BULLOSA SIMPLEX AND LIMB-GIRDLE MUSCULAR DYSTROPHY. Identifiers: Orphanet 257, MedGen C2931072, MONDO:0009181, OMIM 226670.
Epidermolysis bullosa simplex with nail dystrophy (EBS5D). Identifiers: MedGen C4225309, MONDO:0014661, OMIM 616487.

Allele frequency attached by ClinVar (database versions not stated): gnomAD exomes 0.00004; TOPMed 0.00005; gnomAD 0.00006; ExAC 0.00007.
gnomAD v4.1: 63 of 1,584,170 alleles (0.004%); highest among the groups gnomAD compares: Admixed American, 0.01%; no homozygotes.

Submissions (3):

Labcorp Genetics (formerly Invitae), Labcorp
Classification: Uncertain significance for Autosomal recessive limb-girdle muscular dystrophy type 2Q; Epidermolysis bullosa simplex, Ogna type; Epidermolysis bullosa simplex with nail dystrophy; Epidermolysis bullosa simplex 5C, with pyloric atresia; Epidermolysis bullosa simplex 5B, with muscular dystrophy. Last evaluated: 2025-11-15. Review status: criteria provided, single submitter. Criteria: Invitae Variant Classification Sherloc (09022015). Collection method: clinical testing. Allele origin: germline.
Comment: This sequence change replaces serine, which is neutral and polar, with leucine, which is neutral and non-polar, at codon 1456 of the PLEC protein (p.Ser1456Leu). This variant is present in population databases (rs782275537, gnomAD 0.01%). This variant has not been reported in the literature in individuals affected with PLEC-related conditions. ClinVar contains an entry for this variant (Variation ID: 2036965). Invitae Evidence Modeling of protein sequence and biophysical properties (such as structural, functional, and spatial information, amino acid conservation, physicochemical variation, residue mobility, and thermodynamic stability) has been performed for this missense variant. However, the output from this modeling did not meet the statistical confidence thresholds required to predict the impact of this variant on PLEC protein function. In summary, the available evidence is currently insufficient to determine the role of this variant in disease. Therefore, it has been classified as a Variant of Uncertain Significance.

Revvity Omics, Revvity
Classification: Uncertain significance. Last evaluated: 2025-05-15. Review status: criteria provided, single submitter. Criteria: ACMG Guidelines, 2015. Collection method: clinical testing. Allele origin: germline.

Athena Diagnostics
Classification: Uncertain significance. Last evaluated: 2022-11-02. Review status: criteria provided, single submitter. Criteria: Athena Diagnostics Criteria. Collection method: clinical testing. Allele origin: unknown.
Comment: Available data are insufficient to determine the clinical significance of the variant at this time. The frequency of this variant in the general population is uninformative in assessment of its pathogenicity. Computational tools disagree on the variant's effect on normal protein function.